The following is an entry in ClinVar:

NM_000257.4(MYH7):c.794C>T (p.Thr265Ile)

Gene: MYH7 (myosin heavy chain 7; minus strand). Cytogenetic location: 14q11.2.
Variant type: single nucleotide variant.
Coding change: c.794C>T on transcript NM_000257.4 (MANE Select); coding-DNA position 794, C replaced by T.
Protein change: p.Thr265Ile; replaces threonine 265 with isoleucine.
Molecular consequence: missense variant.
Genome position (GRCh38, 1-based): chr14:23,431,420, G>A on the plus strand (C>T on the coding strand, the complement: MYH7 is on the minus strand). VCF-style: chr14-23431420-G-A. GRCh37 (hg19) VCF-style: chr14-23900629-G-A.
Other names: short protein forms T265I.
Identifiers: ClinVar variation 639142 (VCV000639142.8), dbSNP rs876661375, ClinGen allele CA389052040.

ClinVar aggregate classification (germline): Uncertain significance (1 of 4 stars; one submission).

Conditions:
Hypertrophic cardiomyopathy. Also called: HYPERTROPHIC MYOCARDIOPATHY. Identifiers: Orphanet 217569, MedGen C0007194, MeSH D002312, MONDO:0005045, HP:0001639.

Submission:

Labcorp Genetics (formerly Invitae), Labcorp
Classification: Uncertain significance for Hypertrophic cardiomyopathy. Last evaluated: 2018-12-24. Review status: criteria provided, single submitter. Criteria: Invitae Variant Classification Sherloc (09022015). Collection method: clinical testing. Allele origin: germline.
Comment: In summary, the available evidence is currently insufficient to determine the role of this variant in disease. Therefore, it has been classified as a Variant of Uncertain Significance. This variant is found within a region of MYH7 between codons 181 and 937 that contains the majority of the myosin head domain. Missense variants in this region have been shown to be significantly overrepresented in individuals with hypertrophic cardiomyopathy (PMID: 27532257). This sequence change replaces threonine with isoleucine at codon 265 of the MYH7 protein (p.Thr265Ile). The threonine residue is highly conserved and there is a moderate physicochemical difference between threonine and isoleucine. This variant is not present in population databases (ExAC no frequency). This variant has not been reported in the literature in individuals with MYH7-related conditions. Algorithms developed to predict the effect of missense changes on protein structure and function (SIFT, PolyPhen-2, Align-GVGD) all suggest that this variant is likely to be tolerated, but these predictions have not been confirmed by published functional studies and their clinical significance is uncertain.

Literature cited by the submitters: PubMed 27532257.